The following is an entry in ClinVar:

ClinVar aggregate classification (germline): Uncertain significance (1 of 4 stars; one submission).

Conditions:
Dystonia 12 (DYT12). Also called: Rapid-Onset Dystonia-Parkinsonism (RDP); DYT-ATP1A3. Identifiers: Orphanet 71517, MedGen C1868681, MONDO:0007496, OMIM 128235.

Allele frequency attached by ClinVar (database versions not stated): ExAC 0.00001; gnomAD 0.00001; TOPMed 0.00003; ESP Exome Variant Server 0.00008.
gnomAD v4.1: 6 of 1,606,876 alleles (0.00037%); highest among the groups gnomAD compares: African/African-American, 0.0053%; no homozygotes.

Submission:

Labcorp Genetics (formerly Invitae), Labcorp
Classification: Uncertain significance for Dystonia 12. Last evaluated: 2022-12-02. Review status: criteria provided, single submitter. Criteria: Invitae Variant Classification Sherloc (09022015). Collection method: clinical testing. Allele origin: germline.
Comment: This sequence change replaces glutamic acid, which is acidic and polar, with glutamine, which is neutral and polar, at codon 552 of the ATP1A3 protein (p.Glu552Gln). This variant is not present in population databases (gnomAD no frequency). In summary, the available evidence is currently insufficient to determine the role of this variant in disease. Therefore, it has been classified as a Variant of Uncertain Significance. Algorithms developed to predict the effect of sequence changes on RNA splicing suggest that this variant may create or strengthen a splice site. Algorithms developed to predict the effect of missense changes on protein structure and function (SIFT, PolyPhen-2, Align-GVGD) all suggest that this variant is likely to be tolerated. ClinVar contains an entry for this variant (Variation ID: 573096). This variant has not been reported in the literature in individuals affected with ATP1A3-related conditions.

NM_152296.5(ATP1A3):c.1654G>C (p.Glu552Gln)

Gene: ATP1A3 (ATPase Na+/K+ transporting subunit alpha 3; minus strand). Cytogenetic location: 19q13.2.
Variant type: single nucleotide variant.
Coding change: c.1654G>C on transcript NM_152296.5 (MANE Select); coding-DNA position 1654, G replaced by C.
Protein change: p.Glu552Gln; replaces glutamic acid 552 with glutamine.
Molecular consequence: missense variant.
Genome position (GRCh38, 1-based): chr19:41,978,303, C>G on the plus strand (G>C on the coding strand, the complement: ATP1A3 is on the minus strand). VCF-style: chr19-41978303-C-G. GRCh37 (hg19) VCF-style: chr19-42482455-C-G.
Other names: c.1687G>C, p.Glu563Gln (NM_001256213.2); c.1693G>C, p.Glu565Gln (NM_001256214.2); short protein forms E552Q, E563Q, E565Q.
Identifiers: ClinVar variation 573096 (VCV000573096.8), dbSNP rs367904817, ClinGen allele CA9467585.